The following is an entry in ClinVar:

ClinVar aggregate classification (germline): Uncertain significance. Review status: criteria provided, multiple submitters, no conflicts (2 of 4 stars). 4 submissions from 4 submitters: Uncertain significance (4). Last evaluated 2025-09-08.

Conditions:
IMPG2-related disorder. Also called: IMPG2-related condition.
Inborn genetic diseases. Identifiers: MedGen C0950123, MeSH D030342.

Allele frequency attached by ClinVar (database versions not stated): gnomAD 0.00005 and 0.00006; ESP Exome Variant Server 0.00015; gnomAD exomes 0.00001 and 0.00004; ExAC 0.00002; TOPMed 0.00004.
gnomAD v4.1: 16 of 1,614,080 alleles (0.00099%); highest among the groups gnomAD compares: African/African-American, 0.02%; no homozygotes.

Submissions (4):

PreventionGenetics, part of Exact Sciences
Classification: Uncertain significance for IMPG2-related condition. Last evaluated: 2025-09-08. Review status: criteria provided, single submitter. Criteria: ACMG Guidelines, 2015. Collection method: clinical testing. Allele origin: germline.
Comment: The IMPG2 c.1477G>A variant is predicted to result in the amino acid substitution p.Val493Met. To our knowledge, this variant has not been reported in the literature. This variant is reported in 0.040% of alleles in individuals of African descent in gnomAD. At this time, the clinical significance of this variant is uncertain due to the absence of conclusive functional and genetic evidence.

Blueprint Genetics
Classification: Uncertain significance. Last evaluated: 2023-08-31. Review status: criteria provided, single submitter. Criteria: ACMG Guidelines, 2015. Collection method: clinical testing. Allele origin: germline.

Ambry Genetics
Classification: Uncertain significance for Inborn genetic diseases. Last evaluated: 2022-12-02. Review status: criteria provided, single submitter. Criteria: Ambry Variant Classification Scheme 2023. Collection method: clinical testing. Allele origin: germline.

Labcorp Genetics (formerly Invitae), Labcorp
Classification: Uncertain significance. Last evaluated: 2022-06-13. Review status: criteria provided, single submitter. Criteria: Invitae Variant Classification Sherloc (09022015). Collection method: clinical testing. Allele origin: germline.
Comment: In summary, the available evidence is currently insufficient to determine the role of this variant in disease. Therefore, it has been classified as a Variant of Uncertain Significance. Algorithms developed to predict the effect of sequence changes on RNA splicing suggest that this variant may disrupt the consensus splice site. Algorithms developed to predict the effect of missense changes on protein structure and function are either unavailable or do not agree on the potential impact of this missense change (SIFT: "Deleterious"; PolyPhen-2: "Possibly Damaging"; Align-GVGD: "Class C0"). ClinVar contains an entry for this variant (Variation ID: 1038899). This variant has not been reported in the literature in individuals affected with IMPG2-related conditions. This variant is present in population databases (rs142452328, gnomAD 0.04%). This sequence change replaces valine, which is neutral and non-polar, with methionine, which is neutral and non-polar, at codon 493 of the IMPG2 protein (p.Val493Met).

NM_016247.4(IMPG2):c.1477G>A (p.Val493Met)

Gene: IMPG2 (interphotoreceptor matrix proteoglycan 2; minus strand). Cytogenetic location: 3q12.3.
Variant type: single nucleotide variant.
Coding change: c.1477G>A on transcript NM_016247.4 (MANE Select); coding-DNA position 1477, G replaced by A.
Protein change: p.Val493Met; replaces valine 493 with methionine.
Molecular consequence: missense variant.
Genome position (GRCh38, 1-based): chr3:101,245,868, C>T on the plus strand (G>A on the coding strand, the complement: IMPG2 is on the minus strand). VCF-style: chr3-101245868-C-T. GRCh37 (hg19) VCF-style: chr3-100964712-C-T.
Other names: c.1477G>A (NM_016247.3); short protein forms V493M.
Identifiers: ClinVar variation 1038899 (VCV001038899.11), dbSNP rs142452328, ClinGen allele CA2519158.
Genomic context (GRCh38, chr3:101,245,868, plus strand): 5'-CTACCAAGTGAGATCCAGAAGTCCTTTCCTCAGAAGCCACAGGCAAGCCAGTCTGAAGCA[C>T]TGCCGGGGTGACAGAATGAAGAGTCAAGCTGCTAACCTCTAAAACCTCTGGGGAAGAGCT-3'
Protein context (NP_057331.2, residues 483-503): SLTLHSVTPA[Val493Met]LQTGLPVASE